The following is an entry in ClinVar:

NM_002691.4(POLD1):c.941G>A (p.Ser314Asn)

Gene: POLD1 (DNA polymerase delta 1, catalytic subunit; plus strand). Cytogenetic location: 19q13.33.
Variant type: single nucleotide variant.
Coding change: c.941G>A on transcript NM_002691.4 (MANE Select); coding-DNA position 941, G replaced by A.
Protein change: p.Ser314Asn; replaces serine 314 with asparagine.
Molecular consequence: missense variant. On other transcripts: non-coding transcript variant (1).
Genome position (GRCh38, 1-based): chr19:50,402,712, G>A. VCF-style: chr19-50402712-G-A. GRCh37 (hg19) VCF-style: chr19-50905969-G-A.
Other names: c.941G>A, p.Ser314Asn (NM_001256849.1, NM_001308632.1); c.941G>A (NM_002691.2); short protein forms S314N.
Identifiers: ClinVar variation 1523655 (VCV001523655.7), dbSNP rs1601202823, ClinGen allele CA406977288.
Genomic context (GRCh38, chr19:50,402,712, plus strand): 5'-ACGTGGTCAGTCACCCACCGGAAGGGCCATGGCAGCGCATTGCGCCCTTGCGCGTGCTCA[G>A]CTTCGATATCGAGTGCGCCGGCCGCAAAGGTCTGTCCCCGGGCCCGGGCTCCTGCCCGCC-3'
Protein context (NP_002682.2, residues 304-324): WQRIAPLRVL[Ser314Asn]FDIECAGRKG

ClinVar aggregate classification (germline): Uncertain significance. Review status: criteria provided, multiple submitters, no conflicts (2 of 4 stars). 2 submissions from 2 submitters: Uncertain significance (2). Last evaluated 2025-11-25.

Conditions:
POLD1-related polyposis and colorectal cancer syndrome (CRCS10). Also called: Colorectal cancer 10; COLORECTAL CANCER, SUSCEPTIBILITY TO, ON CHROMOSOME 19q; Colorectal cancer, susceptibility to, 10. Identifiers: Orphanet 220460, MedGen C2675481, MONDO:0012953, OMIM 612591.
Hereditary cancer-predisposing syndrome. Also called: Neoplastic Syndromes, Hereditary; Tumor predisposition; Hereditary Cancer Syndrome; Hereditary neoplastic syndrome. Identifiers: Orphanet 140162, MedGen C0027672, MeSH D009386, MONDO:0015356.

Submissions (2):

Labcorp Genetics (formerly Invitae), Labcorp
Classification: Uncertain significance for POLD1-related polyposis and colorectal cancer syndrome. Last evaluated: 2025-11-25. Review status: criteria provided, single submitter. Criteria: Invitae Variant Classification Sherloc (09022015). Collection method: clinical testing. Allele origin: germline.
Comment: This sequence change replaces serine, which is neutral and polar, with asparagine, which is neutral and polar, at codon 314 of the POLD1 protein (p.Ser314Asn). This variant is not present in population databases (gnomAD no frequency). This variant has not been reported in the literature in individuals affected with POLD1-related conditions. ClinVar contains an entry for this variant (Variation ID: 1523655). Invitae Evidence Modeling of protein sequence and biophysical properties (such as structural, functional, and spatial information, amino acid conservation, physicochemical variation, residue mobility, and thermodynamic stability) indicates that this missense variant is expected to disrupt POLD1 protein function with a positive predictive value of 80%. In summary, the available evidence is currently insufficient to determine the role of this variant in disease. Therefore, it has been classified as a Variant of Uncertain Significance.

Ambry Genetics
Classification: Uncertain significance for Hereditary cancer-predisposing syndrome. Last evaluated: 2025-08-01. Review status: criteria provided, single submitter. Criteria: Ambry Variant Classification Scheme 2023. Collection method: clinical testing. Allele origin: germline.
Comment: The p.S314N variant (also known as c.941G>A), located in coding exon 7 of the POLD1 gene, results from a G to A substitution at nucleotide position 941. The serine at codon 314 is replaced by asparagine, an amino acid with highly similar properties. This amino acid position is conserved. In addition, this alteration is predicted to be tolerated by in silico analysis. Based on the available evidence, the clinical significance of this variant remains unclear.